The following is an entry in ClinVar:

ClinVar aggregate classification (germline): Uncertain significance (1 of 4 stars; one submission).

Conditions:
Charcot-Marie-Tooth disease type 4. Also called: Charcot-Marie-Tooth disease, type IV; Charcot-Marie-Tooth, Type 4. Identifiers: Orphanet 64749, MedGen C4082197, MONDO:0018995.

Allele frequency attached by ClinVar (database versions not stated): TOPMed 0.00001; gnomAD 0.00001.

Submission:

Labcorp Genetics (formerly Invitae), Labcorp
Classification: Uncertain significance for Charcot-Marie-Tooth disease type 4. Last evaluated: 2019-09-21. Review status: criteria provided, single submitter. Criteria: Invitae Variant Classification Sherloc (09022015). Collection method: clinical testing. Allele origin: germline.
Comment: Algorithms developed to predict the effect of missense changes on protein structure and function output the following: SIFT: "Tolerated"; PolyPhen-2: "Benign"; Align-GVGD: "Class C0". The isoleucine amino acid residue is found in multiple mammalian species, suggesting that this missense change does not adversely affect protein function. These predictions have not been confirmed by published functional studies and their clinical significance is uncertain. In summary, the available evidence is currently insufficient to determine the role of this variant in disease. Therefore, it has been classified as a Variant of Uncertain Significance. This variant has not been reported in the literature in individuals with SBF2-related conditions. This variant is not present in population databases (ExAC no frequency). This sequence change replaces valine with isoleucine at codon 1396 of the SBF2 protein (p.Val1396Ile). The valine residue is moderately conserved and there is a small physicochemical difference between valine and isoleucine.

NM_030962.4(SBF2):c.4186G>A (p.Val1396Ile)

Genes: SBF2-AS1 (SBF2 antisense RNA 1; plus strand), SBF2 (SET binding factor 2; minus strand). Cytogenetic location: 11p15.4.
Variant type: single nucleotide variant.
Coding change: c.4186G>A on transcript NM_030962.4 (MANE Select); coding-DNA position 4186, G replaced by A.
Protein change: p.Val1396Ile; replaces valine 1396 with isoleucine.
Molecular consequence: missense variant. On other transcripts: non-coding transcript variant (1).
Genome position (GRCh38, 1-based): chr11:9,808,972, C>T on the plus strand (G>A on the coding strand, the complement: SBF2 is on the minus strand). VCF-style: chr11-9808972-C-T. GRCh37 (hg19) VCF-style: chr11-9830519-C-T.
Other names: c.4282G>A, p.Val1428Ile (NM_001386339.1); c.4057G>A, p.Val1353Ile (NM_001386342.1); short protein forms V1396I, V1353I, V1428I.
Identifiers: ClinVar variation 957043 (VCV000957043.9), dbSNP rs751799091, ClinGen allele CA379642311.